The following is an entry in ClinVar:

NM_004333.6(BRAF):c.1133A>G (p.Asn378Ser)

Genes: BRAF (B-Raf proto-oncogene, serine/threonine kinase; minus strand), LOC126860202 (BRD4-independent group 4 enhancer GRCh37_chr7:140493623-140494822; plus strand). Cytogenetic location: 7q34.
Variant type: single nucleotide variant.
Coding change: c.1133A>G on transcript NM_004333.6 (MANE Select); coding-DNA position 1133, A replaced by G.
Protein change: p.Asn378Ser; replaces asparagine 378 with serine.
Molecular consequence: missense variant.
Genome position (GRCh38, 1-based): chr7:140,794,315, T>C on the plus strand (A>G on the coding strand, the complement: BRAF is on the minus strand). VCF-style: chr7-140794315-T-C. GRCh37 (hg19) VCF-style: chr7-140494115-T-C.
Other names: c.1133A>G, p.Asn378Ser (NM_001354609.2, NM_001374244.1, NM_001374258.1 and 4 more transcripts); c.1142A>G, p.Asn381Ser (NM_001378467.1); c.1031A>G, p.Asn344Ser (NM_001378470.1); c.977A>G, p.Asn326Ser (NM_001378472.1, NM_001378473.1); c.869A>G, p.Asn290Ser (NM_001378475.1); short protein forms N344S, N381S, N290S, N378S, N326S.
Identifiers: ClinVar variation 1045552 (VCV001045552.10), dbSNP rs1278451495, ClinGen allele CA369589693.
Genomic context (GRCh38, chr7:140,794,315, plus strand): 5'-AATAAAGATACATACTTGGTTTTTTTTTAGTTCTAGCAATGCTGGATACTTACATCAATA[T>C]TGACAGGTTCTATTGTGTTTATATGCACATTGGGAGCTGATGAGGATCGGTCTCGTTGCC-3'
Protein context (NP_004324.2, residues 368-388): NVHINTIEPV[Asn378Ser]IDDLIRDQGF

ClinVar aggregate classification (germline): Uncertain significance. Review status: criteria provided, multiple submitters, no conflicts (2 of 4 stars). 2 submissions from 2 submitters: Uncertain significance (2). Last evaluated 2025-05-18.

Conditions:
Melanoma, cutaneous malignant, susceptibility to, 1 (CMM1). Also called: DYSPLASTIC NEVUS SYNDROME, HEREDITARY; FAMILIAL ATYPICAL MOLE-MALIGNANT MELANOMA SYNDROME; B-K MOLE SYNDROME; MELANOMA, MALIGNANT. Identifiers: Orphanet 618, MedGen C1835047, MONDO:0007963, OMIM 155600.
LEOPARD syndrome 3 (LPRD3). Identifiers: Orphanet 500, MedGen C3150971, MONDO:0013380, OMIM 613707.
Noonan syndrome 7 (NS7). Also called: BRAF-Related Noonan Syndrome. Identifiers: Orphanet 648, MedGen C3150970, MONDO:0013379, OMIM 613706.
Lung cancer. Also called: Lung cancer, somatic; Malignant tumor of lung. Identifiers: MedGen C0242379, MONDO:0008903, OMIM 211980.
Colorectal cancer. Also called: Malignant Colorectal Neoplasm; Colorectal cancer, somatic. Identifiers: MedGen C0346629, MONDO:0005575, OMIM 114500.
Cardiofaciocutaneous syndrome 1 (CFC1). Also called: BRAF-Related Cardiofaciocutaneous Syndrome; MAP2K1-Related Cardiofaciocutaneous Syndrome; KRAS-Related Cardiofaciocutaneous Syndrome; MAP2K2-Related Cardiofaciocutaneous Syndrome. Identifiers: Orphanet 1340, MedGen CN029449, MONDO:0007265, OMIM 115150. Disease mechanism: gain of function.
RASopathy. Also called: rasopathies; Noonan spectrum disorder. Identifiers: Orphanet 536391, MedGen C5555857, MONDO:0021060.

Allele frequency attached by ClinVar (database versions not stated): gnomAD exomes below 0.00001; TOPMed below 0.00001.
gnomAD v4.1: 7 of 1,614,026 alleles (0.00043%); highest among the groups gnomAD compares: Non-Finnish European, 0.00051%; no homozygotes.

Submissions (2):

Labcorp Genetics (formerly Invitae), Labcorp
Classification: Uncertain significance for RASopathy. Last evaluated: 2025-05-18. Review status: criteria provided, single submitter. Criteria: Invitae Variant Classification Sherloc (09022015). Collection method: clinical testing. Allele origin: germline.
Comment: This sequence change replaces asparagine, which is neutral and polar, with serine, which is neutral and polar, at codon 378 of the BRAF protein (p.Asn378Ser). This variant is present in population databases (no rsID available, gnomAD 0.0009%). This variant has not been reported in the literature in individuals affected with BRAF-related conditions. ClinVar contains an entry for this variant (Variation ID: 1045552). Invitae Evidence Modeling of protein sequence and biophysical properties (such as structural, functional, and spatial information, amino acid conservation, physicochemical variation, residue mobility, and thermodynamic stability) indicates that this missense variant is not expected to disrupt BRAF protein function with a negative predictive value of 80%. In summary, the available evidence is currently insufficient to determine the role of this variant in disease. Therefore, it has been classified as a Variant of Uncertain Significance.

Fulgent Genetics
Classification: Uncertain significance for Colorectal cancer; Cardiofaciocutaneous syndrome 1; Melanoma, cutaneous malignant, susceptibility to, 1; Lung cancer; Noonan syndrome 7; LEOPARD syndrome 3. Last evaluated: 2024-01-14. Review status: criteria provided, single submitter. Criteria: ACMG Guidelines, 2015. Collection method: clinical testing. Allele origin: germline.